The following is an entry in ClinVar:

NM_001289808.2(CRYAB):c.17A>T (p.His6Leu)

Gene: CRYAB (crystallin alpha B; minus strand). Cytogenetic location: 11q23.1.
Variant type: single nucleotide variant.
Coding change: c.17A>T on transcript NM_001289808.2 (MANE Select); coding-DNA position 17, A replaced by T.
Protein change: p.His6Leu; replaces histidine 6 with leucine.
Molecular consequence: missense variant.
Genome position (GRCh38, 1-based): chr11:111,911,708, T>A on the plus strand (A>T on the coding strand, the complement: CRYAB is on the minus strand). VCF-style: chr11-111911708-T-A. GRCh37 (hg19) VCF-style: chr11-111782432-T-A.
Other names: c.17A>T (NM_001885.1); c.17A>T, p.His6Leu (NM_001289807.1, NM_001368245.1, NM_001885.3); short protein forms H6L.
Identifiers: ClinVar variation 1433631 (VCV001433631.7), dbSNP rs1002278304, ClinGen allele CA228546656.

ClinVar aggregate classification (germline): Uncertain significance. Review status: criteria provided, multiple submitters, no conflicts (2 of 4 stars). 2 submissions from 2 submitters: Uncertain significance (2). Last evaluated 2023-05-08.

Conditions:
Dilated cardiomyopathy 1II (CMD1II). Identifiers: Orphanet 154, MedGen C3554649, MONDO:0014073, OMIM 615184.
Cardiovascular phenotype. Identifiers: MedGen CN230736.

Allele frequency attached by ClinVar (database versions not stated): TOPMed below 0.00001.
gnomAD v4.1: 11 of 1,587,622 alleles (0.00069%); highest among the groups gnomAD compares: Non-Finnish European, 0.00094%; no homozygotes.

Submissions (2):

Labcorp Genetics (formerly Invitae), Labcorp
Classification: Uncertain significance for Dilated cardiomyopathy 1II. Last evaluated: 2023-05-08. Review status: criteria provided, single submitter. Criteria: Invitae Variant Classification Sherloc (09022015). Collection method: clinical testing. Allele origin: germline.
Comment: In summary, the available evidence is currently insufficient to determine the role of this variant in disease. Therefore, it has been classified as a Variant of Uncertain Significance. An algorithm developed to predict the effect of missense changes on protein structure and function (PolyPhen-2) suggests that this variant is likely to be disruptive. ClinVar contains an entry for this variant (Variation ID: 1433631). This variant has not been reported in the literature in individuals affected with CRYAB-related conditions. This variant is not present in population databases (gnomAD no frequency). This sequence change replaces histidine, which is basic and polar, with leucine, which is neutral and non-polar, at codon 6 of the CRYAB protein (p.His6Leu).

Ambry Genetics
Classification: Uncertain significance for Cardiovascular phenotype. Last evaluated: 2022-12-01. Review status: criteria provided, single submitter. Criteria: Ambry Variant Classification Scheme 2023. Collection method: clinical testing. Allele origin: germline.